The following is an entry in ClinVar:

ClinVar aggregate classification (germline): Uncertain significance (1 of 4 stars; one submission).

Allele frequency attached by ClinVar (database versions not stated): TOPMed 0.00002.
gnomAD v4.1: 9 of 1,577,568 alleles (0.00057%); highest among the groups gnomAD compares: Admixed American, 0.0069%; no homozygotes.

Submission:

Labcorp Genetics (formerly Invitae), Labcorp
Classification: Uncertain significance. Last evaluated: 2022-07-11. Review status: criteria provided, single submitter. Criteria: Invitae Variant Classification Sherloc (09022015). Collection method: clinical testing. Allele origin: germline.
Comment: This sequence change replaces alanine, which is neutral and non-polar, with valine, which is neutral and non-polar, at codon 24 of the DVL1 protein (p.Ala24Val). In summary, the available evidence is currently insufficient to determine the role of this variant in disease. Therefore, it has been classified as a Variant of Uncertain Significance. Algorithms developed to predict the effect of missense changes on protein structure and function are either unavailable or do not agree on the potential impact of this missense change (SIFT: "Deleterious"; PolyPhen-2: "Possibly Damaging"; Align-GVGD: "Class C0"). This variant has not been reported in the literature in individuals affected with DVL1-related conditions. The frequency data for this variant in the population databases is considered unreliable, as metrics indicate poor data quality at this position in the gnomAD database.

NM_001330311.2(DVL1):c.71C>T (p.Ala24Val)

Gene: DVL1 (dishevelled segment polarity protein 1; minus strand). Cytogenetic location: 1p36.33.
Variant type: single nucleotide variant.
Coding change: c.71C>T on transcript NM_001330311.2 (MANE Select); coding-DNA position 71, C replaced by T.
Protein change: p.Ala24Val; replaces alanine 24 with valine.
Molecular consequence: missense variant.
Genome position (GRCh38, 1-based): chr1:1,348,995, G>A on the plus strand (C>T on the coding strand, the complement: DVL1 is on the minus strand). VCF-style: chr1-1348995-G-A. GRCh37 (hg19) VCF-style: chr1-1284375-G-A.
Other names: c.71C>T, p.Ala24Val (NM_004421.3); short protein forms A24V.
Identifiers: ClinVar variation 2170287 (VCV002170287.4), dbSNP rs1209954788, ClinGen allele CA337879630.